The following is an entry in ClinVar:

NM_206937.2(LIG4):c.1430del (p.Gly477fs)

Gene: LIG4 (DNA ligase 4; minus strand). Cytogenetic location: 13q33.3.
Variant type: Deletion.
Coding change: c.1430del on transcript NM_206937.2 (MANE Select); coding-DNA position 1430, one base deleted (G; older notation c.1430delG).
Protein change: p.Gly477fs; shifts the reading frame from glycine 477.
Molecular consequence: frameshift variant.
Genome position (GRCh38, 1-based): chr13:108,209,839, C deleted on the plus strand (G on the coding strand, the reverse complement: LIG4 is on the minus strand); the first of 4 consecutive C bases (chr13:108,209,839-108,209,842); deleting any one gives the same sequence. VCF-style (leftmost placement, unchanged base first): chr13-108209838-AC-A. GRCh37 (hg19) VCF-style: chr13-108862186-AC-A.
Other names: c.1430del, p.Gly477fs (NM_001098268.2, NM_001352598.2, NM_001352599.2 and 6 more transcripts); c.1229del, p.Gly410fs (NM_001330595.2); c.1466del, p.Gly489fs (NM_001352604.2); short protein forms G477fs, G410fs, G489fs.
Identifiers: ClinVar variation 3007679 (VCV003007679.3), dbSNP rs1878415865, ClinGen allele CA2117794375.

ClinVar aggregate classification (germline): Pathogenic (1 of 4 stars; one submission).

Conditions:
DNA ligase IV deficiency. Identifiers: Orphanet 99812, MedGen C1847827, MONDO:0011686, OMIM 606593.

Submission:

Labcorp Genetics (formerly Invitae), Labcorp
Classification: Pathogenic for DNA ligase IV deficiency. Last evaluated: 2023-09-17. Review status: criteria provided, single submitter. Criteria: Invitae Variant Classification Sherloc (09022015). Collection method: clinical testing. Allele origin: germline.
Comment: For these reasons, this variant has been classified as Pathogenic. This variant disrupts a region of the LIG4 protein in which other variant(s) (p.Arg814*) have been determined to be pathogenic (PMID: 7063650, 16088910, 24123394, 24892279, 25239263, 27612988). This suggests that this is a clinically significant region of the protein, and that variants that disrupt it are likely to be disease-causing. This variant has not been reported in the literature in individuals affected with LIG4-related conditions. This variant is not present in population databases (gnomAD no frequency). This sequence change creates a premature translational stop signal (p.Gly477Valfs*3) in the LIG4 gene. While this is not anticipated to result in nonsense mediated decay, it is expected to disrupt the last 435 amino acid(s) of the LIG4 protein.

Literature cited by the submitters: PubMed 7063650; PubMed 16088910; PubMed 24123394; PubMed 24892279; PubMed 25239263; PubMed 27612988.